The following is an entry in ClinVar:

ClinVar aggregate classification (germline): Uncertain significance (1 of 4 stars; one submission).

Conditions:
Hereditary cancer-predisposing syndrome. Also called: Hereditary neoplastic syndrome; Hereditary Cancer Syndrome; Neoplastic Syndromes, Hereditary; Tumor predisposition. Identifiers: Orphanet 140162, MedGen C0027672, MeSH D009386, MONDO:0015356.

Submission:

Ambry Genetics
Classification: Uncertain significance for Hereditary cancer-predisposing syndrome. Last evaluated: 2023-06-01. Review status: criteria provided, single submitter. Criteria: Ambry Variant Classification Scheme 2023. Collection method: clinical testing. Allele origin: germline.
Comment: The p.H392Q variant (also known as c.1176C>G), located in coding exon 6 of the RET gene, results from a C to G substitution at nucleotide position 1176. The histidine at codon 392 is replaced by glutamine, an amino acid with highly similar properties. This amino acid position is conserved. In addition, the in silico prediction for this alteration is inconclusive. Since supporting evidence is limited at this time, the clinical significance of this alteration remains unclear.

NM_020975.6(RET):c.1176C>G (p.His392Gln)

Gene: RET (ret proto-oncogene; plus strand). Cytogenetic location: 10q11.21.
Variant type: single nucleotide variant.
Coding change: c.1176C>G on transcript NM_020975.6 (MANE Select); coding-DNA position 1176, C replaced by G.
Protein change: p.His392Gln; replaces histidine 392 with glutamine.
Molecular consequence: missense variant. On other transcripts: intron variant (18).
Genome position (GRCh38, 1-based): chr10:43,109,143, C>G. VCF-style: chr10-43109143-C-G. GRCh37 (hg19) VCF-style: chr10-43604591-C-G.
Other names: c.1176C>G, p.His392Gln (NM_000323.2, NM_001406743.1, NM_001406744.1 and 6 more transcripts); c.414C>G, p.His138Gln (NM_001355216.2); c.1047C>G, p.His349Gln (NM_001406761.1, NM_001406762.1, NM_001406764.1 and 1 more transcripts); c.888C>G, p.His296Gln (NM_001406766.1, NM_001406767.1, NM_001406770.1); c.738C>G, p.His246Gln (NM_001406771.1, NM_001406773.1); c.450C>G, p.His150Gln (NM_001406775.1, NM_001406776.1, NM_001406777.1 and 1 more transcripts); c.186C>G, p.His62Gln (NM_001406784.1); c.868-2064C>G (NM_001406772.1, NM_001406769.1); and 5 more; short protein forms H138Q, H246Q, H62Q, H150Q, H296Q, H349Q, H392Q.
Identifiers: ClinVar variation 2568375 (VCV002568375.2), dbSNP rs1193035007, ClinGen allele CA376547656.